The following is an entry in ClinVar:

ClinVar aggregate classification (germline): Uncertain significance (1 of 4 stars; one submission).

Conditions:
Baller-Gerold syndrome (BGS). Also called: CRANIOSYNOSTOSIS WITH RADIAL DEFECTS. Identifiers: Orphanet 1225, MedGen C0265308, MONDO:0009039, OMIM 218600.

gnomAD v4.1: 1 of 1,611,112 alleles (0.000062%); highest among the groups gnomAD compares: Non-Finnish European, 0.000085%; no homozygotes.

Submission:

Labcorp Genetics (formerly Invitae), Labcorp
Classification: Uncertain significance for Baller-Gerold syndrome. Last evaluated: 2024-08-05. Review status: criteria provided, single submitter. Criteria: Invitae Variant Classification Sherloc (09022015). Collection method: clinical testing. Allele origin: germline.
Comment: This sequence change replaces glutamic acid, which is acidic and polar, with aspartic acid, which is acidic and polar, at codon 1126 of the RECQL4 protein (p.Glu1126Asp). This variant is not present in population databases (gnomAD no frequency). This variant has not been reported in the literature in individuals affected with RECQL4-related conditions. ClinVar contains an entry for this variant (Variation ID: 1980878). Advanced modeling of protein sequence and biophysical properties (such as structural, functional, and spatial information, amino acid conservation, physicochemical variation, residue mobility, and thermodynamic stability) performed at Invitae indicates that this missense variant is not expected to disrupt RECQL4 protein function with a negative predictive value of 80%. In summary, the available evidence is currently insufficient to determine the role of this variant in disease. Therefore, it has been classified as a Variant of Uncertain Significance.

NM_004260.4(RECQL4):c.3378G>C (p.Glu1126Asp)

Gene: RECQL4 (RecQ like helicase 4; minus strand). Cytogenetic location: 8q24.3.
Variant type: single nucleotide variant.
Coding change: c.3378G>C on transcript NM_004260.4 (MANE Select); coding-DNA position 3378, G replaced by C.
Protein change: p.Glu1126Asp; replaces glutamic acid 1126 with aspartic acid.
Molecular consequence: missense variant.
Genome position (GRCh38, 1-based): chr8:144,511,926, C>G on the plus strand (G>C on the coding strand, the complement: RECQL4 is on the minus strand). VCF-style: chr8-144511926-C-G. GRCh37 (hg19) VCF-style: chr8-145737309-C-G.
Other names: c.3084G>C, p.Glu1028Asp (NM_001413017.1); c.3180G>C, p.Glu1060Asp (NM_001413018.1); c.3453G>C, p.Glu1151Asp (NM_001413019.1); c.3282G>C, p.Glu1094Asp (NM_001413020.1); c.2307G>C, p.Glu769Asp (NM_001413021.1, NM_001413022.1, NM_001413024.1 and 4 more transcripts); c.2382G>C, p.Glu794Asp (NM_001413023.1); c.3249G>C, p.Glu1083Asp (NM_001413025.1); c.2241G>C, p.Glu747Asp (NM_001413027.1, NM_001413030.1, NM_001413032.1); and 9 more; short protein forms E1009D, E1082D, E1083D, E1151D, E1028D, E1094D, E637D, E725D.
Identifiers: ClinVar variation 1980878 (VCV001980878.4), dbSNP rs1827286724, ClinGen allele CA372668056.